The following is an entry in ClinVar:

ClinVar aggregate classification (germline): Likely benign (1 of 4 stars; one submission).

gnomAD v4.1: 1 of 1,602,974 alleles (0.000062%); highest among the groups gnomAD compares: Middle Eastern, 0.017%; no homozygotes.

Submission:

CeGaT Center for Human Genetics Tuebingen
Classification: Likely benign. Last evaluated: 2023-05-01. Review status: criteria provided, single submitter. Criteria: CeGaT Center For Human Genetics Tuebingen Variant Classification Criteria Version 2. Collection method: clinical testing. Allele origin: germline. Affected: yes. Observed: 1 variant allele.
Comment: CTCF: PM2:Supporting, BP4, BP7

NM_006565.4(CTCF):c.153C>T (p.Val51=)

Gene: CTCF (CCCTC-binding factor; plus strand). Cytogenetic location: 16q22.1.
Variant type: single nucleotide variant.
Coding change: c.153C>T on transcript NM_006565.4 (MANE Select); coding-DNA position 153, C replaced by T.
Protein change: p.Val51=; no amino-acid change (valine 51 retained).
Molecular consequence: synonymous variant. On other transcripts: intron variant (1).
Genome position (GRCh38, 1-based): chr16:67,610,985, C>T. VCF-style: chr16-67610985-C-T. GRCh37 (hg19) VCF-style: chr16-67644888-C-T.
Other names: c.153C>T, p.Val51= (NM_001363916.2); c.-32-5760C>T (NM_001191022.2).
Identifiers: ClinVar variation 2646626 (VCV002646626.24), dbSNP rs771372891, ClinGen allele CA496085332.
Genomic context (GRCh38, chr16:67,610,985, plus strand): 5'-GGGCCAGGAAGAAGATGCCTGCCACTTACCCCAGAACCAGACGGATGGGGGTGAGGTGGT[C>T]CAGGATGTCAACAGCAGTGTACAGATGGTGATGATGGAACAGCTGGACCCCACCCTTCTT-3'
Protein context (NP_006556.1, residues 41-61): PQNQTDGGEV[Val51=]QDVNSSVQMV